The following is an entry in ClinVar:

ClinVar aggregate classification (germline): Uncertain significance. Review status: criteria provided, multiple submitters, no conflicts (2 of 4 stars). 2 submissions from 2 submitters: Uncertain significance (2). Last evaluated 2024-01-29.

Conditions:
Peroxisome biogenesis disorder, complementation group K (CGK). Identifiers: MedGen C1866257, MONDO:0800365.
Inborn genetic diseases. Identifiers: MedGen C0950123, MeSH D030342.

Allele frequency attached by ClinVar (database versions not stated): gnomAD exomes 0.00001.
gnomAD v4.1: 7 of 1,602,450 alleles (0.00044%); highest among the groups gnomAD compares: Middle Eastern, 0.017%; no homozygotes.

Submissions (2):

Labcorp Genetics (formerly Invitae), Labcorp
Classification: Uncertain significance for Peroxisome biogenesis disorder, complementation group K. Last evaluated: 2024-01-29. Review status: criteria provided, single submitter. Criteria: Invitae Variant Classification Sherloc (09022015). Collection method: clinical testing. Allele origin: germline.
Comment: This sequence change replaces threonine, which is neutral and polar, with methionine, which is neutral and non-polar, at codon 31 of the PEX14 protein (p.Thr31Met). This variant is not present in population databases (gnomAD no frequency). This variant has not been reported in the literature in individuals affected with PEX14-related conditions. ClinVar contains an entry for this variant (Variation ID: 1018525). Advanced modeling of protein sequence and biophysical properties (such as structural, functional, and spatial information, amino acid conservation, physicochemical variation, residue mobility, and thermodynamic stability) performed at Invitae indicates that this missense variant is expected to disrupt PEX14 protein function with a positive predictive value of 80%. In summary, the available evidence is currently insufficient to determine the role of this variant in disease. Therefore, it has been classified as a Variant of Uncertain Significance.

Ambry Genetics
Classification: Uncertain significance for Inborn genetic diseases. Last evaluated: 2022-01-26. Review status: criteria provided, single submitter. Criteria: Ambry Variant Classification Scheme 2023. Collection method: clinical testing. Allele origin: germline.

NM_004565.3(PEX14):c.92C>T (p.Thr31Met)

Gene: PEX14 (peroxisomal biogenesis factor 14; plus strand). Cytogenetic location: 1p36.22.
Variant type: single nucleotide variant.
Coding change: c.92C>T on transcript NM_004565.3 (MANE Select); coding-DNA position 92, C replaced by T.
Protein change: p.Thr31Met; replaces threonine 31 with methionine.
Molecular consequence: missense variant.
Genome position (GRCh38, 1-based): chr1:10,536,220, C>T. VCF-style: chr1-10536220-C-T. GRCh37 (hg19) VCF-style: chr1-10596277-C-T.
Other names: c.92C>T (NM_004565.2); short protein forms T31M.
Identifiers: ClinVar variation 1018525 (VCV001018525.8), dbSNP rs1570228034, ClinGen allele CA338688526.